The following is an entry in ClinVar:

NM_025193.4(HSD3B7):c.1094C>A (p.Thr365Lys)

Gene: HSD3B7 (hydroxy-delta-5-steroid dehydrogenase, 3 beta- and steroid delta-isomerase 7; plus strand). Cytogenetic location: 16p11.2.
Variant type: single nucleotide variant.
Coding change: c.1094C>A on transcript NM_025193.4 (MANE Select); coding-DNA position 1094, C replaced by A.
Protein change: p.Thr365Lys; replaces threonine 365 with lysine.
Molecular consequence: missense variant. On other transcripts: 3 prime UTR variant (2).
Genome position (GRCh38, 1-based): chr16:30,988,167, C>A. VCF-style: chr16-30988167-C-A. GRCh37 (hg19) VCF-style: chr16-30999488-C-A.
Other names: c.*340C>A (NM_001142777.2, NM_001142778.2); short protein forms T365K.
Identifiers: ClinVar variation 4999494 (VCV004999494.1).

ClinVar aggregate classification (germline): Uncertain significance (1 of 4 stars; one submission).

Conditions:
HSD3B7-related disorder. Also called: HSD3B7-related condition.

Submission:

PreventionGenetics, part of Exact Sciences
Classification: Uncertain significance for HSD3B7-related condition. Last evaluated: 2025-01-30. Review status: criteria provided, single submitter. Criteria: ACMG Guidelines, 2015. Collection method: clinical testing. Allele origin: germline.
Comment: The HSD3B7 c.1094C>A variant is predicted to result in the amino acid substitution p.Thr365Lys. To our knowledge, this variant has not been reported in the literature or in a large population database (gnomAD), indicating this variant is rare. At this time, the clinical significance of this variant is uncertain due to the absence of conclusive functional and genetic evidence.